The following is an entry in ClinVar:

NM_006946.4(SPTBN2):c.5974C>T (p.Gln1992Ter)

Gene: SPTBN2 (spectrin beta, non-erythrocytic 2; minus strand). Cytogenetic location: 11q13.2.
Variant type: single nucleotide variant.
Coding change: c.5974C>T on transcript NM_006946.4 (MANE Select); coding-DNA position 5974, C replaced by T.
Protein change: p.Gln1992Ter; replaces glutamine 1992 with a stop codon.
Molecular consequence: nonsense.
Genome position (GRCh38, 1-based): chr11:66,689,156, G>A on the plus strand (C>T on the coding strand, the complement: SPTBN2 is on the minus strand). VCF-style: chr11-66689156-G-A. GRCh37 (hg19) VCF-style: chr11-66456627-G-A.
Other names: short protein forms Q1992*.
Identifiers: ClinVar variation 1333225 (VCV001333225.1), dbSNP rs2135319250, ClinGen allele CA381461143.
Genomic context (GRCh38, chr11:66,689,156, plus strand): 5'-CCAGCTGAAGCCAGTCCATCTTCTCCTGCCACTTCTCAGCTGTCTCCTGGCGCCGTGCCT[G>A]CAGCTGAGACAGCTTCTCTGAGATCTGGGGGCGGGGGGCAGAGATATGAGTTAGCACCAG-3'

ClinVar aggregate classification (germline): Likely pathogenic (1 of 4 stars; one submission).

Conditions:
Spinocerebellar ataxia type 5 (SCA5). Identifiers: Orphanet 98766, MedGen C0752123, MONDO:0010848, OMIM 600224.

Submission:

3billion
Classification: Likely pathogenic for Spinocerebellar ataxia type 5. Last evaluated: 2022-01-03. Review status: criteria provided, single submitter. Criteria: ACMG Guidelines, 2015. Collection method: clinical testing. Allele origin: germline. Affected: yes. Observed: 1 heterozygote.
Comment: Stop-gained (nonsense): predicted to result in a loss or disruption of normal protein function through nonsense-mediated decay (NMD) or protein truncation. Multiple pathogenic variants are reported downstream of the variant (PVS1_VS). It is not observed in the gnomAD v2.1.1 dataset (PM2_M). Therefore, this variant is classified as likely pathogenic according to the recommendation of ACMG/AMP guideline.